The following is an entry in ClinVar:

NM_014727.3(KMT2B):c.4497+5G>A

Gene: KMT2B (lysine methyltransferase 2B; plus strand). Cytogenetic location: 19q13.12.
Variant type: single nucleotide variant.
Coding change: c.4497+5G>A on transcript NM_014727.3 (MANE Select); 5 bases into the intron after coding-DNA position 4497, G replaced by A.
Molecular consequence: intron variant.
Genome position (GRCh38, 1-based): chr19:35,727,990, G>A. VCF-style: chr19-35727990-G-A. GRCh37 (hg19) VCF-style: chr19-36218891-G-A.
Identifiers: ClinVar variation 3697597 (VCV003697597.2).

ClinVar aggregate classification (germline): Uncertain significance (1 of 4 stars; one submission).

gnomAD v4.1: 5 of 1,556,106 alleles (0.00032%); highest among the groups gnomAD compares: Non-Finnish European, 0.00044%; no homozygotes.

Submission:

Labcorp Genetics (formerly Invitae), Labcorp
Classification: Uncertain significance. Last evaluated: 2024-03-03. Review status: criteria provided, single submitter. Criteria: Invitae Variant Classification Sherloc (09022015). Collection method: clinical testing. Allele origin: germline.
Comment: This sequence change falls in intron 18 of the KMT2B gene. It does not directly change the encoded amino acid sequence of the KMT2B protein. It affects a nucleotide within the consensus splice site. This variant is not present in population databases (gnomAD no frequency). This variant has not been reported in the literature in individuals affected with KMT2B-related conditions. Variants that disrupt the consensus splice site are a relatively common cause of aberrant splicing (PMID: 17576681, 9536098). Algorithms developed to predict the effect of sequence changes on RNA splicing suggest that this variant is not likely to affect RNA splicing. In summary, the available evidence is currently insufficient to determine the role of this variant in disease. Therefore, it has been classified as a Variant of Uncertain Significance.

Literature cited by the submitters: PubMed 17576681; PubMed 9536098.